The following is an entry in ClinVar:

NM_031206.7(LAS1L):c.1324G>C (p.Ala442Pro)

Gene: LAS1L (LAS1 like ribosome biogenesis factor; minus strand). Cytogenetic location: Xq12.
Variant type: single nucleotide variant.
Coding change: c.1324G>C on transcript NM_031206.7 (MANE Select); coding-DNA position 1324, G replaced by C.
Protein change: p.Ala442Pro; replaces alanine 442 with proline.
Molecular consequence: missense variant. On other transcripts: non-coding transcript variant (1).
Genome position (GRCh38, 1-based): chrX:65,523,684, C>G on the plus strand (G>C on the coding strand, the complement: LAS1L is on the minus strand). VCF-style: chrX-65523684-C-G. GRCh37 (hg19) VCF-style: chrX-64743564-C-G.
Other names: c.1273G>C, p.Ala425Pro (NM_001170649.2, NM_001375331.1, NM_001375333.1 and 2 more transcripts); c.1147G>C, p.Ala383Pro (NM_001170650.2); c.1324G>C, p.Ala442Pro (NM_001375328.1, NM_001375329.1, NM_001375330.1 and 3 more transcripts); c.367G>C, p.Ala123Pro (NM_001375332.1); short protein forms A123P, A383P, A425P, A442P.
Identifiers: ClinVar variation 2575004 (VCV002575004.1), dbSNP rs2522565635, ClinGen allele CA413316713.

ClinVar aggregate classification (germline): Uncertain significance (1 of 4 stars; one submission).

Submission:

GeneDx
Classification: Uncertain significance. Last evaluated: 2023-01-31. Review status: criteria provided, single submitter. Criteria: GeneDx Variant Classification Process June 2021. Collection method: clinical testing. Allele origin: germline. Affected: yes.
Comment: Not observed at significant frequency in large population cohorts (gnomAD); In silico analysis supports that this missense variant does not alter protein structure/function; Has not been previously published as pathogenic or benign to our knowledge